The following is an entry in ClinVar:

ClinVar aggregate classification (germline): Conflicting classifications of pathogenicity. Review status: criteria provided, conflicting classifications (1 of 4 stars). 2 submissions from 2 submitters: Uncertain significance (1); Likely benign (1). Last evaluated 2025-10-21.

Conditions:
Ehlers-Danlos syndrome, classic type, 1 (EDSCL1). Also called: EDS I; EHLERS-DANLOS SYNDROME, GRAVIS TYPE; EHLERS-DANLOS SYNDROME, SEVERE CLASSIC TYPE; Ehlers-Danlos Syndrome, Classic Type, COL5A1-Related; Ehlers-Danlos syndrome, type 1. Identifiers: MedGen C0268335, MONDO:0019567, OMIM 130000.

Allele frequency attached by ClinVar (database versions not stated): ExAC 0.00002; gnomAD exomes below 0.00001 and 0.00001.
gnomAD v4.1: 3 of 1,614,142 alleles (0.00019%); highest among the groups gnomAD compares: Non-Finnish European, 0.00025%; no homozygotes.

Submissions (2):

Labcorp Genetics (formerly Invitae), Labcorp
Classification: Likely benign for Ehlers-Danlos syndrome, classic type, 1. Last evaluated: 2025-10-21. Review status: criteria provided, single submitter. Criteria: Invitae Variant Classification Sherloc (09022015). Collection method: clinical testing. Allele origin: germline.

GeneDx
Classification: Uncertain significance. Last evaluated: 2022-08-03. Review status: criteria provided, single submitter. Criteria: GeneDx Variant Classification Process June 2021. Collection method: clinical testing. Allele origin: germline. Affected: yes.
Comment: Not observed at significant frequency in large population cohorts (gnomAD); In silico analysis supports that this missense variant has a deleterious effect on protein structure/function; Not located in the triple helical region, where the majority of pathogenic missense variants occur (Symoens et al., 2012; HGMD); Has not been previously published as pathogenic or benign to our knowledge; This variant is associated with the following publications: (PMID: 22696272)

NM_000093.5(COL5A1):c.1340G>A (p.Gly447Glu)

Gene: COL5A1 (collagen type V alpha 1 chain; plus strand). Cytogenetic location: 9q34.3.
Variant type: single nucleotide variant.
Coding change: c.1340G>A on transcript NM_000093.5 (MANE Select); coding-DNA position 1340, G replaced by A.
Protein change: p.Gly447Glu; replaces glycine 447 with glutamic acid.
Molecular consequence: missense variant.
Genome position (GRCh38, 1-based): chr9:134,732,078, G>A. VCF-style: chr9-134732078-G-A. GRCh37 (hg19) VCF-style: chr9-137623924-G-A.
Other names: c.1340G>A, p.Gly447Glu (NM_001278074.1); c.1340G>A (NM_000093.3); short protein forms G447E.
Identifiers: ClinVar variation 658238 (VCV000658238.11), dbSNP rs753549769, ClinGen allele CA5318738.